The following is an entry in ClinVar:

ClinVar aggregate classification (germline): Pathogenic. Review status: criteria provided, multiple submitters, no conflicts (2 of 4 stars). 2 submissions from 2 submitters: Pathogenic (2). Last evaluated 2019-07-01.

Conditions:
DICER1-related tumor predisposition. Also called: DICER1 syndrome; DICER1-related pleuropulmonary blastoma cancer predisposition syndrome. Identifiers: Orphanet 284343, MedGen C3839822, MONDO:0100216.

Submissions (2):

Foulkes Cancer Genetics LDI, Lady Davis Institute for Medical Research
Classification: Pathogenic for Pleuropulmonary blastoma. Last evaluated: 2019-07-01. Review status: criteria provided, single submitter. Criteria: ACMG Guidelines, 2015. Collection method: curation. Allele origin: germline. Affected: yes. Observed: 1 variant allele.
Comment: ACMG criteria met: PVS1, PM2, PP4

International Pleuropulmonary Blastoma Registry, Children's Hospitals and Clinics of Minnesota
Classification: Pathogenic for Pleuropulmonary blastoma. Last evaluated: 2014-11-10. Review status: criteria provided, single submitter. Criteria: Hill et al. (Science. 2009). Collection method: clinical testing. Allele origin: germline. Affected: yes. Study: PPB-DICER1 Genetic study.

Literature cited by the submitters: PubMed 26925222 (cited by Foulkes Cancer Genetics LDI, Lady Davis Institute for Medical Research and International Pleuropulmonary Blastoma Registry, Children's Hospitals and Clinics of Minnesota).

NM_177438.3(DICER1):c.629T>G (p.Leu210Ter)

Gene: DICER1 (dicer 1, ribonuclease III; minus strand). Cytogenetic location: 14q32.13.
Variant type: single nucleotide variant.
Coding change: c.629T>G on transcript NM_177438.3 (MANE Select); coding-DNA position 629, T replaced by G.
Protein change: p.Leu210Ter; replaces leucine 210 with a stop codon.
Molecular consequence: nonsense.
Genome position (GRCh38, 1-based): chr14:95,129,577, A>C on the plus strand (T>G on the coding strand, the complement: DICER1 is on the minus strand). VCF-style: chr14-95129577-A-C. GRCh37 (hg19) VCF-style: chr14-95595914-A-C.
Other names: c.629T>G, p.Leu210Ter (NM_001195573.1, NM_001271282.3, NM_001291628.2 and 1 more transcripts); short protein forms L210*.
Identifiers: ClinVar variation 254351 (VCV000254351.4), dbSNP rs886037730, ClinGen allele CA10586467.